The following is an entry in ClinVar:

NC_000018.9:g.(?_48556583)_(48556993_?)dup

Gene: SMAD4 (SMAD family member 4; plus strand). Cytogenetic location: 18q21.2.
Variant type: Duplication.
Identifiers: ClinVar variation 1446364 (VCV001446364.5).

ClinVar aggregate classification (germline): Uncertain significance (1 of 4 stars; one submission).

Conditions:
Juvenile polyposis syndrome (JPS). Identifiers: Orphanet 2929, MedGen C0345893, MONDO:0017380, OMIM 174900.

Submission:

Labcorp Genetics (formerly Invitae), Labcorp
Classification: Uncertain significance for Juvenile polyposis syndrome. Last evaluated: 2022-02-20. Review status: criteria provided, single submitter. Criteria: Invitae Variant Classification Sherloc (09022015). Collection method: clinical testing. Allele origin: germline.
Comment: In summary, the available evidence is currently insufficient to determine the role of this variant in disease. Therefore, it has been classified as a Variant of Uncertain Significance. Experimental studies and prediction algorithms are not available or were not evaluated, and the functional significance of this variant is currently unknown. This variant has not been reported in the literature in individuals affected with SMAD4-related conditions. This variant is a copy number gain that occurs in a non-coding region of the SMAD4 gene. It does not change the encoded amino acid sequence of the SMAD4 protein.